The following is an entry in ClinVar:

ClinVar aggregate classification (germline): Uncertain significance (1 of 4 stars; one submission).

gnomAD v4.1: 1 of 1,614,198 alleles (0.000062%); no homozygotes.

Submission:

Women's Health and Genetics/Laboratory Corporation of America, LabCorp
Classification: Uncertain significance. Last evaluated: 2024-08-23. Review status: criteria provided, single submitter. Criteria: LabCorp Variant Classification Summary - May 2015. Collection method: clinical testing. Allele origin: germline.
Comment: Variant summary: ATP7B c.3983C>T (p.Ala1328Val) results in a non-conservative amino acid change located in the P-type ATPase domain of the encoded protein sequence. Four of five in-silico tools predict a damaging effect of the variant on protein function. The variant was absent in 249578 control chromosomes. c.3983C>T has been reported in the literature in at-least one homozygous individuals affected with Wilson Disease (example: Zhang_2022). These data indicate that the variant may be associated with disease. To our knowledge, no experimental evidence demonstrating an impact on protein function has been reported. The following publication has been ascertained in the context of this evaluation (PMID: 35220961). No submitters have cited clinical-significance assessments for this variant to ClinVar. Based on the evidence outlined above, the variant was classified as VUS-possibly pathogenic.

Literature cited by the submitters: PubMed 35220961.

NM_000053.4(ATP7B):c.3983C>T (p.Ala1328Val)

Gene: ATP7B (ATPase copper transporting beta; minus strand). Cytogenetic location: 13q14.3.
Variant type: single nucleotide variant.
Coding change: c.3983C>T on transcript NM_000053.4 (MANE Select); coding-DNA position 3983, C replaced by T.
Protein change: p.Ala1328Val; replaces alanine 1328 with valine.
Molecular consequence: missense variant.
Genome position (GRCh38, 1-based): chr13:51,937,314, G>A on the plus strand (C>T on the coding strand, the complement: ATP7B is on the minus strand). VCF-style: chr13-51937314-G-A. GRCh37 (hg19) VCF-style: chr13-52511450-G-A.
Other names: c.3362C>T, p.Ala1121Val (NM_001005918.3); c.3650C>T, p.Ala1217Val (NM_001243182.2); c.3749C>T, p.Ala1250Val (NM_001330578.2, NM_001406527.1, NM_001406528.1); c.3731C>T, p.Ala1244Val (NM_001330579.2, NM_001406531.1, NM_001406532.1); c.3983C>T, p.Ala1328Val (NM_001406511.1, NM_001406512.1); c.3977C>T, p.Ala1326Val (NM_001406513.1); c.3950C>T, p.Ala1317Val (NM_001406514.1); c.3929C>T, p.Ala1310Val (NM_001406515.1, NM_001406516.1); and 21 more; short protein forms A1047V, A1101V, A1112V, A1121V, A1134V, A1164V, A1166V, A1179V.
Identifiers: ClinVar variation 3366620 (VCV003366620.1).
Genomic context (GRCh38, chr13:51,937,314, plus strand): 5'-ACAGTGGGTAAGAGCTGCCTACCTGCTGCAATGGGTATCCCAACCAGGTTATAAATCAGT[G>A]CCAGGACCAGGTTGATGCGTATCCTTCGGACAGTCCTCTTGGAAAGGTGAATGCTAGCCA-3'
Protein context (NP_000044.2, residues 1318-1338): VRRIRINLVL[Ala1328Val]LIYNLVGIPI